The following is an entry in ClinVar:

NM_153717.3(EVC):c.780G>A (p.Lys260=)

Gene: EVC (EvC ciliary complex subunit 1; plus strand). Cytogenetic location: 4p16.2.
Variant type: single nucleotide variant.
Coding change: c.780G>A on transcript NM_153717.3 (MANE Select); coding-DNA position 780, G replaced by A.
Protein change: p.Lys260=; no amino-acid change (lysine 260 retained).
Molecular consequence: synonymous variant.
Genome position (GRCh38, 1-based): chr4:5,741,793, G>A. VCF-style: chr4-5741793-G-A. GRCh37 (hg19) VCF-style: chr4-5743520-G-A.
Other names: c.780G>A, p.Lys260= (NM_001306090.2, NM_001306092.2).
Identifiers: ClinVar variation 198283 (VCV000198283.45), dbSNP rs41269555, ClinGen allele CA203348.

ClinVar aggregate classification (germline): Benign. Review status: criteria provided, multiple submitters, no conflicts (2 of 4 stars). 9 submissions from 9 submitters: Benign (8). 1 of the submissions does not count toward it. Last evaluated 2026-06-01.

Conditions:
Ellis-van Creveld syndrome (EVC). Also called: Chondroectodermal dysplasia; MESOECTODERMAL DYSPLASIA. Identifiers: Orphanet 289, MedGen C0013903, MONDO:0009162, OMIM 225500.
Curry-Hall syndrome (WAD). Also called: WEYERS ACRODENTAL DYSOSTOSIS. Identifiers: Orphanet 952, MedGen C0457013, MONDO:0008673, OMIM 193530.

Allele frequency attached by ClinVar (database versions not stated): 1000 Genomes Project 30x 0.00422; 1000 Genomes Project 0.00439; TOPMed 0.00592; gnomAD 0.00661 and 0.00676; ESP Exome Variant Server 0.00700; gnomAD exomes 0.00777 and 0.00895; ExAC 0.00932.
gnomAD v4.1: 13,097 of 1,519,022 alleles (0.86%); highest among the groups gnomAD compares: Non-Finnish European, 1.1%; 90 homozygotes.

Submissions (9):

CeGaT Center for Human Genetics Tuebingen
Classification: Benign. Last evaluated: 2026-06-01. Review status: criteria provided, single submitter. Criteria: CeGaT Center For Human Genetics Tuebingen Variant Classification Criteria Version 2. Collection method: clinical testing. Allele origin: germline. Affected: yes. Observed: 3 variant alleles.
Comment: EVC: BP4, BP7, BS1, BS2

Women's Health and Genetics/Laboratory Corporation of America, LabCorp
Classification: Benign. Last evaluated: 2026-05-11. Review status: criteria provided, single submitter. Criteria: LabCorp Variant Classification Summary - May 2015. Collection method: clinical testing. Allele origin: germline.

Labcorp Genetics (formerly Invitae), Labcorp
Classification: Benign for Curry-Hall syndrome; Ellis-van Creveld syndrome. Last evaluated: 2026-02-02. Review status: criteria provided, single submitter. Criteria: Invitae Variant Classification Sherloc (09022015). Collection method: clinical testing. Allele origin: germline.

ARUP Laboratories, Molecular Genetics and Genomics, ARUP Laboratories
Classification: Benign. Last evaluated: 2023-10-14. Review status: criteria provided, single submitter. Criteria: ARUP Molecular Germline Variant Investigation Process 2024. Collection method: clinical testing. Allele origin: germline.

GeneDx
Classification: Benign. Last evaluated: 2018-05-31. Review status: criteria provided, single submitter. Criteria: GeneDx Variant Classification (06012015). Collection method: clinical testing. Allele origin: germline. Affected: yes.
Comment: This variant is considered likely benign or benign based on one or more of the following criteria: it is a conservative change, it occurs at a poorly conserved position in the protein, it is predicted to be benign by multiple in silico algorithms, and/or has population frequency not consistent with disease.

Illumina Laboratory Services, Illumina
Classification: Benign for Ellis-van Creveld syndrome. Last evaluated: 2018-01-12. Review status: criteria provided, single submitter. Criteria: ICSL Variant Classification Criteria 13 December 2019. Collection method: clinical testing. Allele origin: germline.
Comment: This variant was observed in the ICSL laboratory as part of a predisposition screen in an ostensibly healthy population. It had not been previously curated by ICSL or reported in the Human Gene Mutation Database (HGMD: prior to June 1st, 2018), and was therefore a candidate for classification through an automated scoring system. Utilizing variant allele frequency, disease prevalence and penetrance estimates, and inheritance mode, an automated score was calculated to assess if this variant is too frequent to cause the disease. Based on the score and internal cut-off values, a variant classified as benign is not then subjected to further curation. The score for this variant resulted in a classification of benign for this disease.

Eurofins Ntd Llc (ga)
Classification: Benign. Last evaluated: 2014-10-02. Review status: criteria provided, single submitter. Criteria: EGL Classification Definitions 2015. Collection method: clinical testing. Allele origin: germline. Observed: 1 variant allele, 1 heterozygote.

PreventionGenetics, part of Exact Sciences
Classification: Benign. Review status: criteria provided, single submitter. Criteria: ACMG Guidelines, 2015. Collection method: clinical testing. Allele origin: germline.

Natera, Inc.
Classification: Benign for Ellis-van Creveld syndrome. Last evaluated: 2020-09-16. Review status: no assertion criteria provided. Collection method: clinical testing. Allele origin: germline. Not counted in ClinVar's aggregate classification.